The following is an entry in ClinVar:

ClinVar aggregate classification (germline): Uncertain significance (1 of 4 stars; one submission).

gnomAD v4.1: 7 of 1,605,648 alleles (0.00044%); highest among the groups gnomAD compares: Non-Finnish European, 0.00059%; no homozygotes.

Submission:

Labcorp Genetics (formerly Invitae), Labcorp
Classification: Uncertain significance. Last evaluated: 2025-03-05. Review status: criteria provided, single submitter. Criteria: Invitae Variant Classification Sherloc (09022015). Collection method: clinical testing. Allele origin: germline.
Comment: This sequence change replaces glycine, which is neutral and non-polar, with valine, which is neutral and non-polar, at codon 51 of the FN1 protein (p.Gly51Val). This variant is present in population databases (no rsID available, gnomAD 0.0009%). This variant has not been reported in the literature in individuals affected with FN1-related conditions. An algorithm developed to predict the effect of missense changes on protein structure and function (PolyPhen-2) suggests that this variant is likely to be disruptive. In summary, the available evidence is currently insufficient to determine the role of this variant in disease. Therefore, it has been classified as a Variant of Uncertain Significance.

NM_212482.4(FN1):c.152G>T (p.Gly51Val)

Gene: FN1 (fibronectin 1; minus strand). Cytogenetic location: 2q35.
Variant type: single nucleotide variant.
Coding change: c.152G>T on transcript NM_212482.4 (MANE Select); coding-DNA position 152, G replaced by T.
Protein change: p.Gly51Val; replaces glycine 51 with valine.
Molecular consequence: missense variant.
Genome position (GRCh38, 1-based): chr2:215,434,821, C>A on the plus strand (G>T on the coding strand, the complement: FN1 is on the minus strand). VCF-style: chr2-215434821-C-A. GRCh37 (hg19) VCF-style: chr2-216299544-C-A.
Other names: c.152G>T, p.Gly51Val (NM_001306129.2, NM_001306130.2, NM_001306131.2 and 14 more transcripts); short protein forms G51V.
Identifiers: ClinVar variation 4705965 (VCV004705965.1).